The following is an entry in ClinVar:

ClinVar aggregate classification (germline): Uncertain significance. Review status: criteria provided, multiple submitters, no conflicts (2 of 4 stars). 3 submissions from 3 submitters: Uncertain significance (2). 1 of the submissions does not count toward it. Last evaluated 2025-11-23.

Conditions:
POLG-related disorder. Also called: POLG-Related Spectrum Disorders; POLG-related condition; POLG-Related Disorders. Identifiers: MedGen C4763519.
Progressive sclerosing poliodystrophy (MTDPS4A). Also called: Mitochondrial DNA depletion syndrome 4A (Alpers type); Alpers Syndrome; ALPERS DIFFUSE DEGENERATION OF CEREBRAL GRAY MATTER WITH HEPATIC CIRRHOSIS; Mitochondrial DNA Depletion Syndrome 4A; Alpers-Huttenlocher Syndrome (AHS); ALPERS PROGRESSIVE INFANTILE POLIODYSTROPHY. Identifiers: Orphanet 726, MedGen C0205710, MONDO:0008758, OMIM 203700.

Allele frequency attached by ClinVar (database versions not stated): gnomAD exomes 0.00001 and 0.00002; ExAC 0.00002; TOPMed 0.00006; gnomAD 0.00007 and 0.00009.
gnomAD v4.1: 21 of 1,613,904 alleles (0.0013%); highest among the groups gnomAD compares: African/African-American, 0.025%; no homozygotes.

Submissions (3):

Labcorp Genetics (formerly Invitae), Labcorp
Classification: Uncertain significance for Progressive sclerosing poliodystrophy. Last evaluated: 2025-11-23. Review status: criteria provided, single submitter. Criteria: Invitae Variant Classification Sherloc (09022015). Collection method: clinical testing. Allele origin: germline.
Comment: This sequence change replaces arginine, which is basic and polar, with lysine, which is basic and polar, at codon 334 of the POLG protein (p.Arg334Lys). This variant is present in population databases (rs776437525, gnomAD 0.03%). This variant has not been reported in the literature in individuals affected with POLG-related conditions. ClinVar contains an entry for this variant (Variation ID: 405571). Invitae Evidence Modeling of protein sequence and biophysical properties (such as structural, functional, and spatial information, amino acid conservation, physicochemical variation, residue mobility, and thermodynamic stability) indicates that this missense variant is not expected to disrupt POLG protein function with a negative predictive value of 95%. In summary, the available evidence is currently insufficient to determine the role of this variant in disease. Therefore, it has been classified as a Variant of Uncertain Significance.

Wong Mito Lab, Molecular and Human Genetics, Baylor College of Medicine
Classification: Uncertain significance for Progressive sclerosing poliodystrophy. Last evaluated: 2018-10-01. Review status: criteria provided, single submitter. Criteria: ACMG Guidelines, 2015. Collection method: clinical testing. Allele origin: germline.
Comment: The NM_002693.2:c.1001G>A (NP_002684.1:p.Arg334Lys) [GRCH38: NC_000015.10:g.89328965C>T] variant in POLG gene is interpretated to be a Uncertain Significance based on ACMG guidelines (PMID: 25741868). This variant meets the following evidence codes reported in the ACMG-guideline. BP4:Computational evidence/predictors indicate no impact on the POLG structure, function, or protein-protein interaction. PM2:This variant is absent in key population databases. Based on the evidence criteria codes applied, the variant is suggested to be Uncertain Significance.

PreventionGenetics, part of Exact Sciences
Classification: Uncertain significance for POLG-related condition. Last evaluated: 2024-05-08. Review status: no assertion criteria provided. Collection method: clinical testing. Allele origin: germline. Not counted in ClinVar's aggregate classification.
Comment: The POLG c.1001G>A variant is predicted to result in the amino acid substitution p.Arg334Lys. To our knowledge, this variant has not been reported in the literature. This variant is reported in 0.032% of alleles in individuals of African descent in gnomAD. At this time, the clinical significance of this variant is uncertain due to the absence of conclusive functional and genetic evidence.

NM_002693.3(POLG):c.1001G>A (p.Arg334Lys)

Gene: POLG (DNA polymerase gamma, catalytic subunit; minus strand). Cytogenetic location: 15q26.1.
Variant type: single nucleotide variant.
Coding change: c.1001G>A on transcript NM_002693.3 (MANE Select); coding-DNA position 1001, G replaced by A.
Protein change: p.Arg334Lys; replaces arginine 334 with lysine.
Molecular consequence: missense variant.
Genome position (GRCh38, 1-based): chr15:89,328,965, C>T on the plus strand (G>A on the coding strand, the complement: POLG is on the minus strand). VCF-style: chr15-89328965-C-T. GRCh37 (hg19) VCF-style: chr15-89872196-C-T.
Other names: c.1001G>A, p.Arg334Lys (NM_001126131.2); short protein forms R334K.
Identifiers: ClinVar variation 405571 (VCV000405571.9), dbSNP rs776437525, ClinGen allele CA7724984.
Genomic context (GRCh38, chr15:89,328,965, plus strand): 5'-AAGCACTATGCTCCTGCCCACCGGCAGTGTGCTCTCACCGCTGGGCCTCTTCTGGCTTTC[C>T]TCTGGGACTTCTGGCCTTGCTTTGTGGGGGGCTGGACCTTGTGTTTGCCCTGCTTGGCTG-3'
Protein context (NP_002684.1, residues 324-344): PPTKQGQKSQ[Arg334Lys]KARRGPAISS